The following is an entry in ClinVar:

ClinVar aggregate classification (germline): Pathogenic (1 of 4 stars; one submission).

Conditions:
Severe intellectual disability-progressive spastic diplegia syndrome (NEDSDV). Also called: NEURODEVELOPMENTAL DISORDER WITH SPASTIC DIPLEGIA AND VISUAL DEFECTS; CTNNB1 Neurodevelopmental Disorder. Identifiers: Orphanet 404473, MedGen C3554449, MONDO:0014035, OMIM 615075.

Submission:

3billion
Classification: Pathogenic for Severe intellectual disability-progressive spastic diplegia syndrome. Last evaluated: 2023-10-13. Review status: criteria provided, single submitter. Criteria: ACMG Guidelines, 2015. Collection method: clinical testing. Allele origin: germline. Affected: yes.
Comment: The variant is not observed in the gnomAD v2.1.1 dataset. Predicted Consequence/Location: Missense changes are a common disease-causing mechanism. In silico tool predictions suggest damaging effect of the variant on gene or gene product [REVEL: 0.72 (>=0.6, sensitivity 0.68 and specificity 0.92); 3Cnet: 0.60 (>=0.6, sensitivity 0.72 and precision 0.9)]. Different nucleotide change resulting in same amino acid change has been previously reported as pathogenic/likely pathogenic with strong evidence (ClinVar ID: VCV000208674). The variant has been previously reported as de novo in a similarly affected individual (PMID: 33350591). Therefore, this variant is classified as Pathogenic according to the recommendation of ACMG/AMP guideline.

Literature cited by the submitters: PubMed 33350591.

NM_001904.4(CTNNB1):c.1723G>C (p.Gly575Arg)

Gene: CTNNB1 (catenin beta 1; plus strand). Cytogenetic location: 3p22.1.
Variant type: single nucleotide variant.
Coding change: c.1723G>C on transcript NM_001904.4 (MANE Select); coding-DNA position 1723, G replaced by C.
Protein change: p.Gly575Arg; replaces glycine 575 with arginine.
Molecular consequence: missense variant.
Genome position (GRCh38, 1-based): chr3:41,235,763, G>C. VCF-style: chr3-41235763-G-C. GRCh37 (hg19) VCF-style: chr3-41277254-G-C.
Other names: c.1723G>C, p.Gly575Arg (NM_001098209.2, NM_001098210.2); c.1702G>C, p.Gly568Arg (NM_001330729.2); short protein forms G568R, G575R.
Identifiers: ClinVar variation 3775298 (VCV003775298.1).